The following is an entry in ClinVar:

NM_144687.4(NLRP12):c.2345T>C (p.Val782Ala)

Gene: NLRP12 (NLR family pyrin domain containing 12; minus strand). Cytogenetic location: 19q13.42.
Variant type: single nucleotide variant.
Coding change: c.2345T>C on transcript NM_144687.4 (MANE Select); coding-DNA position 2345, T replaced by C.
Protein change: p.Val782Ala; replaces valine 782 with alanine.
Molecular consequence: missense variant.
Genome position (GRCh38, 1-based): chr19:53,805,349, A>G on the plus strand (T>C on the coding strand, the complement: NLRP12 is on the minus strand). VCF-style: chr19-53805349-A-G. GRCh37 (hg19) VCF-style: chr19-54308603-A-G.
Other names: c.2348T>C, p.Val783Ala (NM_001277126.2); c.2345T>C, p.Val782Ala (NM_001277129.1); short protein forms V783A, V782A.
Identifiers: ClinVar variation 1461056 (VCV001461056.8), dbSNP rs777591981, ClinGen allele CA9639112.

ClinVar aggregate classification (germline): Uncertain significance (1 of 4 stars; one submission).

Conditions:
Familial cold autoinflammatory syndrome 2 (FCAS2). Identifiers: Orphanet 247868, MedGen C2673198, MONDO:0012724, OMIM 611762.

Allele frequency attached by ClinVar (database versions not stated): gnomAD exomes below 0.00001 and 0.00001; ExAC 0.00001.
gnomAD v4.1: 3 of 1,614,102 alleles (0.00019%); highest among the groups gnomAD compares: Non-Finnish European, 0.00017%; no homozygotes.

Submission:

Labcorp Genetics (formerly Invitae), Labcorp
Classification: Uncertain significance for Familial cold autoinflammatory syndrome 2. Last evaluated: 2021-05-18. Review status: criteria provided, single submitter. Criteria: Invitae Variant Classification Sherloc (09022015). Collection method: clinical testing. Allele origin: germline.
Comment: In summary, the available evidence is currently insufficient to determine the role of this variant in disease. Therefore, it has been classified as a Variant of Uncertain Significance. Algorithms developed to predict the effect of missense changes on protein structure and function are either unavailable or do not agree on the potential impact of this missense change (SIFT: "Deleterious"; PolyPhen-2: "Benign"; Align-GVGD: "Class C0"). This variant has not been reported in the literature in individuals with NLRP12-related conditions. This variant is present in population databases (rs777591981, ExAC 0.001%). This sequence change replaces valine with alanine at codon 782 of the NLRP12 protein (p.Val782Ala). The valine residue is weakly conserved and there is a small physicochemical difference between valine and alanine.